The following is an entry in ClinVar:

ClinVar aggregate classification (germline): Pathogenic/Likely pathogenic. Review status: criteria provided, multiple submitters, no conflicts (2 of 4 stars). 3 submissions from 3 submitters: Pathogenic (1); Likely pathogenic (1). 1 of the submissions does not count toward it. Last evaluated 2025-08-19.

Conditions:
Hereditary spastic paraplegia 35. Also called: LEUKODYSTROPHY, DYSMYELINATING, AND SPASTIC PARAPARESIS WITH OR WITHOUT DYSTONIA; Spastic paraplegia 35, autosomal recessive; Spastic paraplegia 35; SPASTIC PARAPLEGIA 35, AUTOSOMAL RECESSIVE, WITH OR WITHOUT NEURODEGENERATION. Identifiers: Orphanet 171629, MedGen C3496228, MONDO:0012866, OMIM 612319.

Allele frequency attached by ClinVar (database versions not stated): gnomAD exomes below 0.00001.
gnomAD v4.1: 1 of 1,613,648 alleles (0.000062%); highest among the groups gnomAD compares: Admixed American, 0.0017%; no homozygotes.

Submissions (3):

GeneDx
Classification: Pathogenic. Last evaluated: 2025-08-19. Review status: criteria provided, single submitter. Criteria: GeneDx Variant Classification Process June 2021. Collection method: clinical testing. Allele origin: germline. Affected: yes.
Comment: Canonical splice site variant predicted to result in a null allele in a gene for which loss of function is a known mechanism of disease; Not observed at significant frequency in large population cohorts (gnomAD); This variant is associated with the following publications: (PMID: 25525159, 21599921, 19068277, 36396882, 31087769, 31191442)

Revvity Omics, Revvity
Classification: Likely pathogenic for Hereditary spastic paraplegia 35. Last evaluated: 2021-11-16. Review status: criteria provided, single submitter. Criteria: ACMG Guidelines, 2015. Collection method: clinical testing. Allele origin: germline.

OMIM
Classification: Pathogenic for SPASTIC PARAPLEGIA 35, AUTOSOMAL RECESSIVE. Last evaluated: 2008-11-01. Review status: no assertion criteria provided. Collection method: literature only. Allele origin: germline. Not counted in ClinVar's aggregate classification.

Literature cited by the submitters: PubMed 19068277 (cited by OMIM).

NM_024306.5(FA2H):c.786+1G>A

Gene: FA2H (fatty acid 2-hydroxylase; minus strand). Cytogenetic location: 16q23.1.
Variant type: single nucleotide variant.
Coding change: c.786+1G>A on transcript NM_024306.5 (MANE Select); the canonical splice donor site of the intron after coding-DNA position 786, G replaced by A.
Molecular consequence: splice donor variant.
Genome position (GRCh38, 1-based): chr16:74,718,987, C>T on the plus strand (G>A on the coding strand, the complement: FA2H is on the minus strand). VCF-style: chr16-74718987-C-T. GRCh37 (hg19) VCF-style: chr16-74752885-C-T.
Other names: IVS5DS, G-A, +1.
Identifiers: ClinVar variation 1043 (VCV000001043.8), dbSNP rs1567633766, ClinGen allele CA396769346.